The following is an entry in ClinVar:

ClinVar aggregate classification (germline): Uncertain significance. Review status: criteria provided, multiple submitters, no conflicts (2 of 4 stars). 3 submissions from 3 submitters: Uncertain significance (3). Last evaluated 2025-06-23.

Conditions:
Wilms tumor 1 (WT1). Also called: Wilms tumor, somatic. Identifiers: Orphanet 654, MedGen CN033288, MONDO:0008679, OMIM 194070.
11p partial monosomy syndrome (WAGR). Also called: WAGR Spectrum Disorder; WAGR Complex; WAGR syndrome; CHROMOSOME 11p13 DELETION SYNDROME. Identifiers: Orphanet 893, MedGen C0206115, MONDO:0008681, OMIM 194072.
Drash syndrome (DDS). Also called: NEPHROPATHY, WILMS TUMOR, AND GENITAL ANOMALIES; WILMS TUMOR AND PSEUDO- OR TRUE HERMAPHRODITISM. Identifiers: Orphanet 220, MedGen C0950121, MONDO:0008682, OMIM 194080.
Frasier syndrome. Identifiers: Orphanet 347, MedGen C0950122, MeSH D052159, MONDO:0007635, OMIM 136680.
Inborn genetic diseases. Identifiers: MedGen C0950123, MeSH D030342.

Allele frequency attached by ClinVar (database versions not stated): gnomAD exomes below 0.00001 and 0.00001; TOPMed 0.00001.

Submissions (3):

Labcorp Genetics (formerly Invitae), Labcorp
Classification: Uncertain significance for Wilms tumor 1; Drash syndrome; 11p partial monosomy syndrome; Frasier syndrome. Last evaluated: 2025-06-23. Review status: criteria provided, single submitter. Criteria: Invitae Variant Classification Sherloc (09022015). Collection method: clinical testing. Allele origin: germline.
Comment: This sequence change replaces glutamic acid, which is acidic and polar, with lysine, which is basic and polar, at codon 47 of the WT1 protein (p.Glu47Lys). The frequency data for this variant in the population databases is considered unreliable, as metrics indicate poor data quality at this position in the gnomAD database. This variant has not been reported in the literature in individuals affected with WT1-related conditions. ClinVar contains an entry for this variant (Variation ID: 1040248). An algorithm developed to predict the effect of missense changes on protein structure and function outputs the following: PolyPhen-2: "Possibly Damaging". The lysine amino acid residue is found in multiple mammalian species, which suggests that this missense change does not adversely affect protein function. In summary, the available evidence is currently insufficient to determine the role of this variant in disease. Therefore, it has been classified as a Variant of Uncertain Significance.

Ambry Genetics
Classification: Uncertain significance for Inborn genetic diseases. Last evaluated: 2024-12-21. Review status: criteria provided, single submitter. Criteria: Ambry Variant Classification Scheme 2023. Collection method: clinical testing. Allele origin: germline.
Comment: The p.E47K variant (also known as c.139G>A), located in coding exon 1 of the WT1 gene, results from a G to A substitution at nucleotide position 139. The glutamic acid at codon 47 is replaced by lysine, an amino acid with similar properties. This amino acid position is conserved. In addition, this alteration is predicted to be tolerated by in silico analysis. Based on the available evidence, the clinical significance of this variant remains unclear.

St. Jude Molecular Pathology, St. Jude Children's Research Hospital
Classification: Uncertain significance for Wilms tumor 1. Last evaluated: 2022-08-30. Review status: criteria provided, single submitter. Criteria: St. Jude Assertion Criteria 2020. Collection method: clinical testing. Allele origin: germline.
Comment: The WT1 c.139G>A (p.Glu47Lys) missense change has an overall frequency of 0.0040% in gnomAD v2.1.1. The in silico tool REVEL predicts a benign effect on protein function, but to our knowledge this prediction has not been confirmed by functional studies. To our knowledge, this variant has not been reported in individuals with WT1-related conditions. In summary, the evidence currently available is insufficient to determine the clinical significance of this variant. It has therefore been classified as of uncertain significance.

NM_024426.6(WT1):c.154G>A (p.Glu52Lys)

Genes: WT1 (WT1 transcription factor; minus strand), LOC107982234 (WT1/WT1-AS bi-directional promoter region; plus strand). Cytogenetic location: 11p13.
Variant type: single nucleotide variant.
Coding change: c.154G>A on transcript NM_024426.6 (MANE Select); coding-DNA position 154, G replaced by A.
Protein change: p.Glu52Lys; replaces glutamic acid 52 with lysine.
Molecular consequence: missense variant. On other transcripts: non-coding transcript variant (1).
Genome position (GRCh38, 1-based): chr11:32,435,207, C>T on the plus strand (G>A on the coding strand, the complement: WT1 is on the minus strand). VCF-style: chr11-32435207-C-T. GRCh37 (hg19) VCF-style: chr11-32456753-C-T.
Other names: c.139G>A (NM_024426.4); c.154G>A, p.Glu52Lys (NM_000378.6, NM_024424.5); short protein forms E52K.
Identifiers: ClinVar variation 1040248 (VCV001040248.9), dbSNP rs1212035248, ClinGen allele CA379966273.